The following is an entry in ClinVar:

NM_033453.4(ITPA):c.291T>G (p.Pro97=)

Gene: ITPA (inosine triphosphatase; plus strand). Cytogenetic location: 20p13.
Variant type: single nucleotide variant.
Coding change: c.291T>G on transcript NM_033453.4 (MANE Select); coding-DNA position 291, T replaced by G.
Protein change: p.Pro97=; no amino-acid change (proline 97 retained).
Molecular consequence: synonymous variant. On other transcripts: 5 prime UTR variant (4), non-coding transcript variant (2).
Genome position (GRCh38, 1-based): chr20:3,215,308, T>G. VCF-style: chr20-3215308-T-G. GRCh37 (hg19) VCF-style: chr20-3195954-T-G.
Other names: c.168T>G, p.Pro56= (NM_001267623.2); c.-47T>G (NM_001324236.2, NM_001324237.2, NM_001324238.2 and 1 more transcripts); c.291T>G, p.Pro97= (NM_001324240.2); c.240T>G, p.Pro80= (NM_181493.4).
Identifiers: ClinVar variation 464830 (VCV000464830.22), dbSNP rs145329644, ClinGen allele CA9741252.

ClinVar aggregate classification (germline): Benign/Likely benign. Review status: criteria provided, multiple submitters, no conflicts (2 of 4 stars). 5 submissions from 5 submitters: Benign (2); Likely benign (2). 1 of the submissions does not count toward it. Last evaluated 2026-03-01.

Conditions:
ITPA-related disorder. Also called: ITPA-related condition.
Inosine triphosphatase deficiency. Also called: INOSINE TRIPHOSPHATE PYROPHOSPHOHYDROLASE DEFICIENCY. Identifiers: MedGen C0342800, MONDO:0013461, OMIM 613850.

Allele frequency attached by ClinVar (database versions not stated): ESP Exome Variant Server 0.00008; gnomAD exomes 0.00020 and 0.00082; 1000 Genomes Project 30x 0.00031; 1000 Genomes Project 0.00040; ExAC 0.00059; gnomAD 0.00084; TOPMed 0.00093.
gnomAD v4.1: 423 of 1,613,844 alleles (0.026%); highest among the groups gnomAD compares: Admixed American, 0.58%; 2 homozygotes.

Submissions (5):

CeGaT Center for Human Genetics Tuebingen
Classification: Likely benign. Last evaluated: 2026-03-01. Review status: criteria provided, single submitter. Criteria: CeGaT Center For Human Genetics Tuebingen Variant Classification Criteria Version 2. Collection method: clinical testing. Allele origin: germline. Affected: yes. Observed: 4 variant alleles.
Comment: ITPA: BP4, BS2

Labcorp Genetics (formerly Invitae), Labcorp
Classification: Benign for Inosine triphosphatase deficiency. Last evaluated: 2026-02-02. Review status: criteria provided, single submitter. Criteria: Invitae Variant Classification Sherloc (09022015). Collection method: clinical testing. Allele origin: germline.

Blueprint Genetics
Classification: Likely benign. Last evaluated: 2024-11-27. Review status: criteria provided, single submitter. Criteria: ACMG Guidelines, 2015. Collection method: clinical testing. Allele origin: germline.

Breakthrough Genomics
Classification: Benign. Review status: criteria provided, single submitter. Criteria: ACMG Guidelines, 2015. Collection method: not provided. Allele origin: germline. Inheritance: Autosomal recessive inheritance. Affected: yes.

PreventionGenetics, part of Exact Sciences
Classification: Likely benign for ITPA-related condition. Last evaluated: 2019-10-17. Review status: no assertion criteria provided. Collection method: clinical testing. Allele origin: germline. Not counted in ClinVar's aggregate classification.
Comment: This variant is classified as likely benign based on ACMG/AMP sequence variant interpretation guidelines (Richards et al. 2015 PMID: 25741868, with internal and published modifications).